The following is an entry in ClinVar:

ClinVar aggregate classification (germline): Likely benign. Review status: criteria provided, single submitter (1 of 4 stars). 2 submissions from 2 submitters: Likely benign (1). 1 of the submissions does not count toward it. Last evaluated 2025-11-16.

Conditions:
ADCY3-related disorder. Also called: ADCY3-related condition.

Allele frequency attached by ClinVar (database versions not stated): gnomAD 0.00008; TOPMed 0.00015; 1000 Genomes Project 0.00020; ExAC 0.00023; 1000 Genomes Project 30x 0.00031.
gnomAD v4.1: 99 of 1,611,934 alleles (0.0061%); highest among the groups gnomAD compares: East Asian, 0.19%; 1 homozygote.

Submissions (2):

Labcorp Genetics (formerly Invitae), Labcorp
Classification: Likely benign. Last evaluated: 2025-11-16. Review status: criteria provided, single submitter. Criteria: Invitae Variant Classification Sherloc (09022015). Collection method: clinical testing. Allele origin: germline.

PreventionGenetics, part of Exact Sciences
Classification: Likely benign for ADCY3-related condition. Last evaluated: 2021-10-05. Review status: no assertion criteria provided. Collection method: clinical testing. Allele origin: germline. Not counted in ClinVar's aggregate classification.
Comment: This variant is classified as likely benign based on ACMG/AMP sequence variant interpretation guidelines (Richards et al. 2015 PMID: 25741868, with internal and published modifications).

NM_004036.5(ADCY3):c.1805+6C>T

Gene: ADCY3 (adenylate cyclase 3; minus strand). Cytogenetic location: 2p23.3.
Variant type: single nucleotide variant.
Coding change: c.1805+6C>T on transcript NM_004036.5 (MANE Select); 6 bases into the intron after coding-DNA position 1805, C replaced by T.
Molecular consequence: intron variant.
Genome position (GRCh38, 1-based): chr2:24,834,788, G>A on the plus strand (C>T on the coding strand, the complement: ADCY3 is on the minus strand). VCF-style: chr2-24834788-G-A. GRCh37 (hg19) VCF-style: chr2-25057657-G-A.
Other names: c.1805+6C>T (NM_001377130.1, NM_001377129.1, NM_001320613.2 and 1 more transcripts); c.1871+6C>T (NM_001377128.1); c.1082+6C>T (NM_001377131.1).
Identifiers: ClinVar variation 3036472 (VCV003036472.3), dbSNP rs201602354, ClinGen allele CA1554012.
Genomic context (GRCh38, chr2:24,834,788, plus strand): 5'-TTTCCTGAATCCCTTGTCAGGGCCCGGGAGGAGTGGTGGGCCTGGACGCTTCCGGGTGGC[G>A]CTTACACTTGGGCGGACTCTCGCTCAAGCAGGGCCTCGTTGAGCAGCTGGTTGAGCTCGT-3'